The following is an entry in ClinVar:

NM_016363.5(GP6):c.*22C>G

Gene: GP6 (glycoprotein VI platelet; minus strand). Cytogenetic location: 19q13.42.
Variant type: single nucleotide variant.
Coding change: c.*22C>G on transcript NM_016363.5 (MANE Select); 22 bases downstream of the stop codon, C replaced by G.
Molecular consequence: 3 prime UTR variant. On other transcripts: missense variant (1).
Genome position (GRCh38, 1-based): chr19:55,014,899, G>C on the plus strand (C>G on the coding strand, the complement: GP6 is on the minus strand). VCF-style: chr19-55014899-G-C. GRCh37 (hg19) VCF-style: chr19-55526267-G-C.
Other names: p.Ser349Trp; c.1046C>G, p.Ser349Trp (NM_001083899.2); c.*22C>G (NM_001256017.2); short protein forms S349W.
Identifiers: ClinVar variation 3380638 (VCV003380638.1).

ClinVar aggregate classification (germline): Uncertain significance (1 of 4 stars; one submission).

Submission:

Mayo Clinic Laboratories, Mayo Clinic
Classification: Uncertain significance. Last evaluated: 2024-05-29. Review status: criteria provided, single submitter. Criteria: ACMG Guidelines, 2015. Collection method: clinical testing. Allele origin: germline. Observed: 1 variant allele.
Comment: BP4, PM2_moderate